The following is an entry in ClinVar:

NM_020117.11(LARS1):c.3377G>A (p.Arg1126Gln)

Gene: LARS1 (leucyl-tRNA synthetase 1; minus strand). Cytogenetic location: 5q32.
Variant type: single nucleotide variant.
Coding change: c.3377G>A on transcript NM_020117.11 (MANE Select); coding-DNA position 3377, G replaced by A.
Protein change: p.Arg1126Gln; replaces arginine 1126 with glutamine.
Molecular consequence: missense variant.
Genome position (GRCh38, 1-based): chr5:146,114,260, C>T on the plus strand (G>A on the coding strand, the complement: LARS1 is on the minus strand). VCF-style: chr5-146114260-C-T. GRCh37 (hg19) VCF-style: chr5-145493823-C-T.
Other names: c.3239G>A, p.Arg1080Gln (NM_001317964.2); c.3215G>A, p.Arg1072Gln (NM_001317965.2); c.3296G>A, p.Arg1099Gln (NM_016460.4); short protein forms R1072Q, R1080Q, R1099Q, R1126Q.
Identifiers: ClinVar variation 3341323 (VCV003341323.1).
Genomic context (GRCh38, chr5:146,114,260, plus strand): 5'-ACAGCATGCTCAGAAATGGGGGTCTTCTCGGTGTACTCCTTTCCCAGGACAGGAACTCGT[C>T]GAGGCCCCAACAGTGGATCATCAAATCTCATCAGTTTCACTTTGGAAAGGTCTACAACAA-3'
Protein context (NP_064502.9, residues 1116-1136): MRFDDPLLGP[Arg1126Gln]RVPVLGKEYT

ClinVar aggregate classification (germline): Uncertain significance (1 of 4 stars; one submission).

Conditions:
Infantile liver failure syndrome 1 (ILFS1). Identifiers: Orphanet 370088, MedGen C3809522, MONDO:0024568, OMIM 615438.

gnomAD v4.1: 10 of 1,613,624 alleles (0.00062%); highest among the groups gnomAD compares: African/African-American, 0.0013%; no homozygotes.

Submission:

Neuberg Centre For Genomic Medicine, NCGM
Classification: Uncertain significance for Infantile liver failure syndrome 1. Last evaluated: 2023-05-20. Review status: criteria provided, single submitter. Criteria: ACMG Guidelines, 2015. Collection method: clinical testing. Allele origin: germline. Inheritance: Autosomal recessive inheritance. Affected: yes.
Comment: The observed missense c.3377G>A(p.Arg1126Gln) variant in LARS1 gene has not been reported previously as a pathogenic variant nor a benign variant, to our knowledge. The p.Arg1126Gln variant is absent in gnomAD Exomes. This variant has not been submitted to the ClinVar database. Multiple lines of computational evidences (Polyphen - Probably damaging, SIFT - Damaging and MutationTaster - Disease causing) predict a damaging effect on protein structure and function for this variant. The amino acid change p.Arg1126Gln in LARS1 is predicted as conserved by GERP++ and PhyloP across 100 vertebrates. The amino acid Arg at position 1126 is changed to a Gln changing protein sequence and it might alter its composition and physico-chemical properties. For these reasons, this variant has been classified as a Variant of Uncertain Significance (VUS).